The following is an entry in ClinVar:

ClinVar aggregate classification (germline): Uncertain significance. Review status: criteria provided, multiple submitters, no conflicts (2 of 4 stars). 2 submissions from 2 submitters: Uncertain significance (2). Last evaluated 2025-05-17.

Conditions:
Hereditary cancer-predisposing syndrome. Also called: Tumor predisposition; Neoplastic Syndromes, Hereditary; Hereditary neoplastic syndrome; Hereditary Cancer Syndrome. Identifiers: Orphanet 140162, MedGen C0027672, MeSH D009386, MONDO:0015356.

Submissions (2):

Ambry Genetics
Classification: Uncertain significance for Hereditary cancer-predisposing syndrome. Last evaluated: 2025-05-17. Review status: criteria provided, single submitter. Criteria: Ambry Variant Classification Scheme 2023. Collection method: clinical testing. Allele origin: germline.
Comment: The p.N638I variant (also known as c.1913A>T), located in coding exon 17 of the POLE gene, results from an A to T substitution at nucleotide position 1913. The asparagine at codon 638 is replaced by isoleucine, an amino acid with dissimilar properties. This amino acid position is conserved. In addition, the in silico prediction for this alteration is inconclusive. Based on the available evidence, the clinical significance of this variant remains unclear.

GeneDx
Classification: Uncertain significance. Last evaluated: 2024-04-10. Review status: criteria provided, single submitter. Criteria: GeneDx Variant Classification Process June 2021. Collection method: clinical testing. Allele origin: germline. Affected: yes.
Comment: Not observed at significant frequency in large population cohorts (gnomAD); In silico analysis supports that this missense variant has a deleterious effect on protein structure/function; Has not been previously published as pathogenic or benign to our knowledge; This variant is associated with the following publications: (PMID: 20951805)

NM_006231.4(POLE):c.1913A>T (p.Asn638Ile)

Gene: POLE (DNA polymerase epsilon, catalytic subunit; minus strand). Cytogenetic location: 12q24.33.
Variant type: single nucleotide variant.
Coding change: c.1913A>T on transcript NM_006231.4 (MANE Select); coding-DNA position 1913, A replaced by T.
Protein change: p.Asn638Ile; replaces asparagine 638 with isoleucine.
Molecular consequence: missense variant.
Genome position (GRCh38, 1-based): chr12:132,668,821, T>A on the plus strand (A>T on the coding strand, the complement: POLE is on the minus strand). VCF-style: chr12-132668821-T-A. GRCh37 (hg19) VCF-style: chr12-133245407-T-A.
Other names: short protein forms N638I.
Identifiers: ClinVar variation 3372311 (VCV003372311.2).